The following is an entry in ClinVar:

ClinVar aggregate classification (germline): Pathogenic (1 of 4 stars; one submission).

Submission:

Labcorp Genetics (formerly Invitae), Labcorp
Classification: Pathogenic. Last evaluated: 2023-04-10. Review status: criteria provided, single submitter. Criteria: Invitae Variant Classification Sherloc (09022015). Collection method: clinical testing. Allele origin: germline.
Comment: For these reasons, this variant has been classified as Pathogenic. This variant has not been reported in the literature in individuals affected with SLC45A2-related conditions. This variant is not present in population databases (gnomAD no frequency). This sequence change creates a premature translational stop signal (p.Tyr182*) in the SLC45A2 gene. It is expected to result in an absent or disrupted protein product. Loss-of-function variants in SLC45A2 are known to be pathogenic (PMID: 21458243, 26573111).

Literature cited by the submitters: PubMed 21458243; PubMed 26573111.

NM_016180.5(SLC45A2):c.546C>A (p.Tyr182Ter)

Gene: SLC45A2 (solute carrier family 45 member 2; minus strand). Cytogenetic location: 5p13.2.
Variant type: single nucleotide variant.
Coding change: c.546C>A on transcript NM_016180.5 (MANE Select); coding-DNA position 546, C replaced by A.
Protein change: p.Tyr182Ter; replaces tyrosine 182 with a stop codon.
Molecular consequence: nonsense.
Genome position (GRCh38, 1-based): chr5:33,982,252, G>T on the plus strand (C>A on the coding strand, the complement: SLC45A2 is on the minus strand). VCF-style: chr5-33982252-G-T. GRCh37 (hg19) VCF-style: chr5-33982357-G-T.
Other names: c.546C>A, p.Tyr182Ter (NM_001012509.4, NM_001297417.4); short protein forms Y182*.
Identifiers: ClinVar variation 2854637 (VCV002854637.3), dbSNP rs2478911729, ClinGen allele CA359396321.